The following is an entry in ClinVar:

ClinVar aggregate classification (germline): Likely benign (1 of 4 stars; one submission).

Conditions:
Rhizomelic chondrodysplasia punctata type 3 (RCDP3). Also called: Alkylglycerone Phosphate Synthase (AGPS) deficiency; ALKYLDIHYDROXYACETONEPHOSPHATE SYNTHASE DEFICIENCY. Identifiers: Orphanet 177, Orphanet 309803, MedGen C1838612, MONDO:0010823, OMIM 600121. Disease mechanism: loss of function.

Allele frequency attached by ClinVar (database versions not stated): gnomAD exomes 0.00022; gnomAD 0.00327 and 0.00346; TOPMed 0.00355; 1000 Genomes Project 30x 0.00515; 1000 Genomes Project 0.00519.
gnomAD v4.1: 526 of 293,902 alleles (0.18%); highest among the groups gnomAD compares: African/African-American, 1.1%; 5 homozygotes.

Submission:

Illumina Laboratory Services, Illumina
Classification: Likely benign for Rhizomelic chondrodysplasia punctata type 3. Last evaluated: 2018-01-13. Review status: criteria provided, single submitter. Criteria: ICSL Variant Classification Criteria 13 December 2019. Collection method: clinical testing. Allele origin: germline.
Comment: This variant was observed in the ICSL laboratory as part of a predisposition screen in an ostensibly healthy population. It had not been previously curated by ICSL or reported in the Human Gene Mutation Database (HGMD: prior to June 1st, 2018), and was therefore a candidate for classification through an automated scoring system. Utilizing variant allele frequency, disease prevalence and penetrance estimates, and inheritance mode, an automated score was calculated to assess if this variant is too frequent to cause the disease. Based on the score and internal cut-off values, a variant classified as likely benign is not then subjected to further curation. The score for this variant resulted in a classification of likely benign for this disease.

NM_003659.4(AGPS):c.*385G>C

Gene: AGPS (alkylglycerone phosphate synthase; plus strand). Cytogenetic location: 2q31.2.
Variant type: single nucleotide variant.
Coding change: c.*385G>C on transcript NM_003659.4 (MANE Select); 385 bases downstream of the stop codon, G replaced by C.
Molecular consequence: 3 prime UTR variant.
Genome position (GRCh38, 1-based): chr2:177,538,580, G>C. VCF-style: chr2-177538580-G-C. GRCh37 (hg19) VCF-style: chr2-178403308-G-C.
Identifiers: ClinVar variation 893940 (VCV000893940.4), dbSNP rs114266155, ClinGen allele CA60903404.